The following is an entry in ClinVar:

ClinVar aggregate classification (germline): Uncertain significance (1 of 4 stars; one submission).

Submission:

Labcorp Genetics (formerly Invitae), Labcorp
Classification: Uncertain significance. Last evaluated: 2023-09-27. Review status: criteria provided, single submitter. Criteria: Invitae Variant Classification Sherloc (09022015). Collection method: clinical testing. Allele origin: germline.
Comment: This variant has not been reported in the literature in individuals affected with CTF1-related conditions. The frequency data for this variant in the population databases is considered unreliable, as metrics indicate insufficient coverage at this position in the gnomAD database. This sequence change replaces arginine, which is basic and polar, with glycine, which is neutral and non-polar, at codon 130 of the CTF1 protein (p.Arg130Gly). An algorithm developed to predict the effect of missense changes on protein structure and function (PolyPhen-2) suggests that this variant is likely to be tolerated. In summary, the available evidence is currently insufficient to determine the role of this variant in disease. Therefore, it has been classified as a Variant of Uncertain Significance.

NM_001330.5(CTF1):c.388C>G (p.Arg130Gly)

Genes: CTF1 (cardiotrophin 1; plus strand), LOC130058878 (ATAC-STARR-seq lymphoblastoid silent region 7400; plus strand). Cytogenetic location: 16p11.2.
Variant type: single nucleotide variant.
Coding change: c.388C>G on transcript NM_001330.5 (MANE Select); coding-DNA position 388, C replaced by G.
Protein change: p.Arg130Gly; replaces arginine 130 with glycine.
Molecular consequence: missense variant. On other transcripts: non-coding transcript variant (1).
Genome position (GRCh38, 1-based): chr16:30,902,321, C>G. VCF-style: chr16-30902321-C-G. GRCh37 (hg19) VCF-style: chr16-30913642-C-G.
Other names: c.385C>G, p.Arg129Gly (NM_001142544.3); short protein forms R130G, R129G.
Identifiers: ClinVar variation 2812471 (VCV002812471.3), dbSNP rs912846064, ClinGen allele CA395619057.